The following is an entry in ClinVar:

NM_004434.3(EML1):c.727A>G (p.Thr243Ala)

Gene: EML1 (EMAP like 1; plus strand). Cytogenetic location: 14q32.2.
Variant type: single nucleotide variant.
Coding change: c.727A>G on transcript NM_004434.3 (MANE Select); coding-DNA position 727, A replaced by G.
Protein change: p.Thr243Ala; replaces threonine 243 with alanine.
Molecular consequence: missense variant.
Genome position (GRCh38, 1-based): chr14:99,897,194, A>G. VCF-style: chr14-99897194-A-G. GRCh37 (hg19) VCF-style: chr14-100363531-A-G.
Other names: c.784A>G, p.Thr262Ala (NM_001008707.2); short protein forms T243A, T262A.
Identifiers: ClinVar variation 254259 (VCV000254259.2), dbSNP rs886037936, ClinGen allele CA10586385.
Genomic context (GRCh38, chr14:99,897,194, plus strand): 5'-CATCCACAAAGCTATGGGTACAGGGGTCGAGACTGCCGTAACAACCTGTACTTGCTTCCG[A>G]CGGGAGAGACCGTCTACTTCATCGCATCCGTGGTGGTGTTATACAACGTGGAGGAGCAAC-3'
Protein context (NP_004425.2, residues 233-253): DCRNNLYLLP[Thr243Ala]GETVYFIASV

ClinVar aggregate classification (germline): Likely pathogenic. Review status: criteria provided, single submitter (1 of 4 stars). 2 submissions from 2 submitters: Likely pathogenic (1). 1 of the submissions does not count toward it. Last evaluated 2024-08-30.

Conditions:
Band heterotopia of brain. Also called: Band heterotopia. Identifiers: MedGen C4284594, MONDO:0010873, OMIM 600348.

Submissions (2):

GeneDx
Classification: Likely pathogenic. Last evaluated: 2024-08-30. Review status: criteria provided, single submitter. Criteria: GeneDx Variant Classification Process June 2021. Collection method: clinical testing. Allele origin: germline. Affected: yes.
Comment: Not observed at significant frequency in large population cohorts (gnomAD); In silico analysis supports that this missense variant has a deleterious effect on protein structure/function; This variant is associated with the following publications: (PMID: 31710781, 31390572, 35289477, 24859200, 35102268, 35585091)

OMIM
Classification: Pathogenic for BAND HETEROTOPIA. Last evaluated: 2016-09-19. Review status: no assertion criteria provided. Collection method: literature only. Allele origin: germline. Not counted in ClinVar's aggregate classification.

Literature cited by the submitters: PubMed 24859200 (cited by OMIM).